The following is an entry in ClinVar:

NM_000138.5(FBN1):c.7365C>G (p.Cys2455Trp)

Gene: FBN1 (fibrillin 1; minus strand). Cytogenetic location: 15q21.1.
Variant type: single nucleotide variant.
Coding change: c.7365C>G on transcript NM_000138.5 (MANE Select); coding-DNA position 7365, C replaced by G.
Protein change: p.Cys2455Trp; replaces cysteine 2455 with tryptophan.
Molecular consequence: missense variant.
Genome position (GRCh38, 1-based): chr15:48,425,457, G>C on the plus strand (C>G on the coding strand, the complement: FBN1 is on the minus strand). VCF-style: chr15-48425457-G-C. GRCh37 (hg19) VCF-style: chr15-48717654-G-C.
Other names: short protein forms C2455W.
Identifiers: ClinVar variation 527210 (VCV000527210.7), dbSNP rs1555394408, ClinGen allele CA392327946.
Genomic context (GRCh38, chr15:48,425,457, plus strand): 5'-AATGTAGCCTTTCGGGCATGAACACTGGTAACTCCCTTCTGTGTTTTTGCAGATAAAATT[G>C]CAGGGTTTGGGAGCCTGGTTGCACTCGTTCAGATCTATGATCAAAGAAATACAGCGTGAC-3'
Protein context (NP_000129.3, residues 2445-2465): LNECNQAPKP[Cys2455Trp]NFICKNTEGS

ClinVar aggregate classification (germline): Likely pathogenic (1 of 4 stars; one submission).

Conditions:
Familial thoracic aortic aneurysm and aortic dissection (TAAD). Also called: Thoracic aortic aneurysms and dissections. Identifiers: Orphanet 91387, MedGen C4707243, MONDO:0019625.
Marfan syndrome (MFS). Also called: Marfan syndrome type 1; Marfan syndrome, classic; Marfan's syndrome; FBN1-Related Marfan Syndrome; MARFAN SYNDROME, TYPE I. Identifiers: Orphanet 284963, Orphanet 558, MedGen C0024796, MONDO:0007947, OMIM 154700.

Submission:

Labcorp Genetics (formerly Invitae), Labcorp
Classification: Likely pathogenic for Marfan syndrome; Familial thoracic aortic aneurysm and aortic dissection. Last evaluated: 2017-10-17. Review status: criteria provided, single submitter. Criteria: Invitae Variant Classification Sherloc (09022015). Collection method: clinical testing. Allele origin: germline.
Comment: In summary, this variant is a novel missense change affecting a residue crucial for protein stability and function. Although additional genetic data will be necessary to further confirm pathogenicity for this variant, cysteine substitutions located in FBN1 EGF-like domains are likely deleterious. For these reasons, this variant has been classified as Likely Pathogenic. This variant affects a cysteine residue located within an epidermal-growth-factor (EGF)–like domain of the FBN1 protein. Cysteine residues in these domains have been shown to be involved in the formation of disulfide bridges, which are critical for FBN1 protein structure and stability (PMID: 10486319, 3495735, 4750422, 16677079). In addition, missense substitutions within the FBN1 EGF-like domains affecting cysteine residues are significantly overrepresented among patients with Marfan syndrome (PMID: 16571647, 17701892). This variant has not been reported in the literature in individuals with FBN1-related disease. This variant is not present in population databases (ExAC no frequency). This sequence change replaces cysteine with tryptophan at codon 2455 of the FBN1 protein (p.Cys2455Trp). The cysteine residue is highly conserved and there is a large physicochemical difference between cysteine and tryptophan.

Literature cited by the submitters: PubMed 10486319; PubMed 3495735; PubMed 4750422; PubMed 16677079; PubMed 16571647; PubMed 17701892.